The following is an entry in ClinVar:

NM_005228.5(EGFR):c.2747A>G (p.Asp916Gly)

Gene: EGFR (epidermal growth factor receptor; plus strand). Cytogenetic location: 7p11.2.
Variant type: single nucleotide variant.
Coding change: c.2747A>G on transcript NM_005228.5 (MANE Select); coding-DNA position 2747, A replaced by G.
Protein change: p.Asp916Gly; replaces aspartic acid 916 with glycine.
Molecular consequence: missense variant.
Genome position (GRCh38, 1-based): chr7:55,198,762, A>G. VCF-style: chr7-55198762-A-G. GRCh37 (hg19) VCF-style: chr7-55266455-A-G.
Other names: c.2612A>G, p.Asp871Gly (NM_001346897.2, NM_001346899.2); c.2747A>G, p.Asp916Gly (NM_001346898.2); c.2588A>G, p.Asp863Gly (NM_001346900.2); c.1946A>G, p.Asp649Gly (NM_001346941.2); short protein forms D649G, D863G, D871G, D916G.
Identifiers: ClinVar variation 4870230 (VCV004870230.1).

ClinVar aggregate classification (germline): Uncertain significance (1 of 4 stars; one submission).

Conditions:
Hereditary cancer-predisposing syndrome. Also called: Neoplastic Syndromes, Hereditary; Tumor predisposition; Hereditary Cancer Syndrome; Hereditary neoplastic syndrome. Identifiers: Orphanet 140162, MedGen C0027672, MeSH D009386, MONDO:0015356.

Submission:

Ambry Genetics
Classification: Uncertain significance for Hereditary cancer-predisposing syndrome. Last evaluated: 2026-04-06. Review status: criteria provided, single submitter. Criteria: Ambry Variant Classification Scheme 2023. Collection method: clinical testing. Allele origin: germline.
Comment: The p.D916G variant (also known as c.2747A>G), located in coding exon 23 of the EGFR gene, results from an A to G substitution at nucleotide position 2747. The aspartic acid at codon 916 is replaced by glycine, an amino acid with similar properties. This amino acid position is well conserved in available vertebrate species. In addition, the in silico prediction for this alteration is inconclusive. Based on the available evidence, the clinical significance of this variant remains unclear.